The following is an entry in ClinVar:

ClinVar aggregate classification (germline): Likely benign. Review status: criteria provided, multiple submitters, no conflicts (2 of 4 stars). 2 submissions from 2 submitters: Likely benign (2). Last evaluated 2018-06-14.

Allele frequency attached by ClinVar (database versions not stated): 1000 Genomes Project 0.01018; 1000 Genomes Project 30x 0.01202; TOPMed 0.02331; gnomAD 0.02361 and 0.02418; gnomAD exomes 0.03334.
gnomAD v4.1: 5,876 of 221,274 alleles (2.7%); highest among the groups gnomAD compares: Non-Finnish European, 4.1%; 137 homozygotes.

Submissions (2):

GeneDx
Classification: Likely benign. Last evaluated: 2018-06-14. Review status: criteria provided, single submitter. Criteria: GeneDx Variant Classification (06012015). Collection method: clinical testing. Allele origin: germline. Affected: yes.
Comment: This variant is considered likely benign or benign based on one or more of the following criteria: it is a conservative change, it occurs at a poorly conserved position in the protein, it is predicted to be benign by multiple in silico algorithms, and/or has population frequency not consistent with disease.

Breakthrough Genomics
Classification: Likely benign. Review status: criteria provided, single submitter. Criteria: ACMG Guidelines, 2015. Collection method: not provided. Allele origin: germline. Inheritance: Autosomal recessive inheritance. Affected: yes.

NM_004046.6(ATP5F1A):c.140-241C>T

Gene: ATP5F1A (ATP synthase F1 subunit alpha; minus strand). Cytogenetic location: 18q21.1.
Variant type: single nucleotide variant.
Coding change: c.140-241C>T on transcript NM_004046.6 (MANE Select); 241 bases into the intron before coding-DNA position 140, C replaced by T.
Molecular consequence: intron variant.
Genome position (GRCh38, 1-based): chr18:46,092,092, G>A on the plus strand (C>T on the coding strand, the complement: ATP5F1A is on the minus strand). VCF-style: chr18-46092092-G-A. GRCh37 (hg19) VCF-style: chr18-43672058-G-A.
Other names: c.140-241C>T (NM_001001937.2, NM_001257334.2); c.-11-241C>T (NM_001001935.3, NM_001257335.2).
Identifiers: ClinVar variation 673033 (VCV000673033.2), dbSNP rs71355030, ClinGen allele CA14548541.